The following is an entry in ClinVar:

NM_014053.4(FLVCR1):c.*2540T>C

Gene: FLVCR1 (FLVCR choline and heme transporter 1; plus strand). Cytogenetic location: 1q32.3.
Variant type: single nucleotide variant.
Coding change: c.*2540T>C on transcript NM_014053.4 (MANE Select); 2540 bases downstream of the stop codon, T replaced by C.
Molecular consequence: 3 prime UTR variant.
Genome position (GRCh38, 1-based): chr1:212,897,830, T>C. VCF-style: chr1-212897830-T-C. GRCh37 (hg19) VCF-style: chr1-213071172-T-C.
Identifiers: ClinVar variation 874060 (VCV000874060.4), dbSNP rs79275553, ClinGen allele CA36902345.
Genomic context (GRCh38, chr1:212,897,830, plus strand): 5'-TTACTGCAAGGACAGCACCAAGCCATGAGGGATCCACCCGCAGGACCCAAACACCTTCTA[T>C]TAGGGCCAACCTTCAACATTGGGGATTACATTTCAATGTGAGATTGGAGGGACAAGTATC-3'

ClinVar aggregate classification (germline): Benign (1 of 4 stars; one submission).

Conditions:
Posterior column ataxia-retinitis pigmentosa syndrome (RETSNS). Also called: RETINOPATHY-SENSORY NEUROPATHY SYNDROME. Identifiers: Orphanet 88628, MedGen C1836916, MONDO:0012177, OMIM 609033.

Allele frequency attached by ClinVar (database versions not stated): gnomAD 0.00301 and 0.00322; 1000 Genomes Project 0.00339; TOPMed 0.00344; 1000 Genomes Project 30x 0.00359.

Submission:

Illumina Laboratory Services, Illumina
Classification: Benign for Posterior column ataxia-retinitis pigmentosa syndrome. Last evaluated: 2017-04-27. Review status: criteria provided, single submitter. Criteria: ICSL Variant Classification Criteria 13 December 2019. Collection method: clinical testing. Allele origin: germline.
Comment: This variant was observed as part of a predisposition screen in an ostensibly healthy population. A literature search was performed for the gene, cDNA change, and amino acid change (where applicable). No publications were found based on this search. Allele frequency data from public databases was too high to be consistent with this variant causing disease. Therefore, this variant is classified as benign.